The following is an entry in ClinVar:

NM_003482.4(KMT2D):c.15090T>G (p.Arg5030=)

Gene: KMT2D (lysine methyltransferase 2D; minus strand). Cytogenetic location: 12q13.12.
Variant type: single nucleotide variant.
Coding change: c.15090T>G on transcript NM_003482.4 (MANE Select); coding-DNA position 15090, T replaced by G.
Protein change: p.Arg5030=; no amino-acid change (arginine 5030 retained).
Molecular consequence: synonymous variant.
Genome position (GRCh38, 1-based): chr12:49,026,876, A>C on the plus strand (T>G on the coding strand, the complement: KMT2D is on the minus strand). VCF-style: chr12-49026876-A-C. GRCh37 (hg19) VCF-style: chr12-49420659-A-C.
Identifiers: ClinVar variation 94178 (VCV000094178.43), dbSNP rs373414243, ClinGen allele CA222023.

ClinVar aggregate classification (germline): Benign/Likely benign. Review status: criteria provided, multiple submitters, no conflicts (2 of 4 stars). 5 submissions from 5 submitters: Benign (1); Likely benign (4). Last evaluated 2026-01-11.

Conditions:
Kabuki syndrome. Also called: NIIKAWA-KUROKI SYNDROME; Kabuki make-up syndrome. Identifiers: Orphanet 2322, MedGen C0796004, MONDO:0016512.

Allele frequency attached by ClinVar (database versions not stated): ESP Exome Variant Server 0.00016; gnomAD 0.00023 and 0.00025; TOPMed 0.00025; gnomAD exomes 0.00040; ExAC 0.00053.
gnomAD v4.1: 489 of 1,613,892 alleles (0.03%); highest among the groups gnomAD compares: Non-Finnish European, 0.036%; no homozygotes.

Submissions (5):

Labcorp Genetics (formerly Invitae), Labcorp
Classification: Likely benign for Kabuki syndrome. Last evaluated: 2026-01-11. Review status: criteria provided, single submitter. Criteria: Invitae Variant Classification Sherloc (09022015). Collection method: clinical testing. Allele origin: germline.

CeGaT Center for Human Genetics Tuebingen
Classification: Likely benign. Last evaluated: 2024-11-01. Review status: criteria provided, single submitter. Criteria: CeGaT Center For Human Genetics Tuebingen Variant Classification Criteria Version 2. Collection method: clinical testing. Allele origin: germline. Affected: yes. Observed: 2 variant alleles.
Comment: KMT2D: BP4, BP7

Blueprint Genetics
Classification: Likely benign. Last evaluated: 2024-10-23. Review status: criteria provided, single submitter. Criteria: ACMG Guidelines, 2015. Collection method: clinical testing. Allele origin: germline.

GeneDx
Classification: Benign. Last evaluated: 2021-01-11. Review status: criteria provided, single submitter. Criteria: GeneDx Variant Classification Process June 2021. Collection method: clinical testing. Allele origin: germline. Affected: yes.

Eurofins Ntd Llc (ga)
Classification: Likely benign. Last evaluated: 2017-06-19. Review status: criteria provided, single submitter. Criteria: EGL Classification Definitions 2015. Collection method: clinical testing. Allele origin: germline. Observed: 2 variant alleles, 2 heterozygotes.